The following is an entry in ClinVar:

NM_138295.5(PKD1L1):c.7173+6A>G

Genes: PKD1L1 (polycystin 1 like 1, transient receptor potential channel interacting; minus strand), PKD1L1-AS1 (PKD1L1 antisense RNA 1; plus strand). Cytogenetic location: 7p12.3.
Variant type: single nucleotide variant.
Coding change: c.7173+6A>G on transcript NM_138295.5 (MANE Select); 6 bases into the intron after coding-DNA position 7173, A replaced by G.
Molecular consequence: intron variant.
Genome position (GRCh38, 1-based): chr7:47,813,925, T>C on the plus strand (A>G on the coding strand, the complement: PKD1L1 is on the minus strand). VCF-style: chr7-47813925-T-C. GRCh37 (hg19) VCF-style: chr7-47853523-T-C.
Identifiers: ClinVar variation 4996492 (VCV004996492.1).
Genomic context (GRCh38, chr7:47,813,925, plus strand): 5'-CCAATGTTGCCTAGACTTCTCTAATTCCATTTATTCTTGGAAGCAAAAGGAAAAGGAACA[T>C]CTTACCTTGCATAAATGCCTAGGAAAAACTTTTAGCTGCCTAATTACGGAACTGCCTATT-3'

ClinVar aggregate classification (germline): Likely benign (1 of 4 stars; one submission).

Conditions:
PKD1L1-related disorder. Also called: PKD1L1-related condition.

gnomAD v4.1: 4 of 1,611,452 alleles (0.00025%); highest among the groups gnomAD compares: Non-Finnish European, 0.00034%; no homozygotes.

Submission:

PreventionGenetics, part of Exact Sciences
Classification: Likely benign for PKD1L1-related condition. Last evaluated: 2025-09-11. Review status: criteria provided, single submitter. Criteria: ACMG Guidelines, 2015. Collection method: clinical testing. Allele origin: germline.
Comment: This variant is classified as likely benign based on ACMG/AMP sequence variant interpretation guidelines (Richards et al. 2015 PMID: 25741868, with internal and published modifications).